The following is an entry in ClinVar:

NM_001018115.3(FANCD2):c.356G>A (p.Arg119His)

Genes: FANCD2 (FA complementation group D2; plus strand), LOC107303338 (3p25 FANCD2 Alu-mediated recombination region; plus strand). Cytogenetic location: 3p25.3.
Variant type: single nucleotide variant.
Coding change: c.356G>A on transcript NM_001018115.3 (MANE Select); coding-DNA position 356, G replaced by A.
Protein change: p.Arg119His; replaces arginine 119 with histidine.
Molecular consequence: missense variant.
Genome position (GRCh38, 1-based): chr3:10,034,777, G>A. VCF-style: chr3-10034777-G-A. GRCh37 (hg19) VCF-style: chr3-10076461-G-A.
Other names: c.356G>A, p.Arg119His (NM_001374253.1, NM_001374254.1, NM_001374255.1 and 2 more transcripts); short protein forms R119H.
Identifiers: ClinVar variation 439692 (VCV000439692.12), dbSNP rs566769898, ClinGen allele CA2249180.

ClinVar aggregate classification (germline): Uncertain significance. Review status: criteria provided, multiple submitters, no conflicts (2 of 4 stars). 2 submissions from 2 submitters: Uncertain significance (2). Last evaluated 2024-12-26.

Conditions:
Fanconi anemia (FA). Also called: Fanconi's anemia. Identifiers: Orphanet 84, MedGen C0015625, MeSH D005199, MONDO:0019391.

Allele frequency attached by ClinVar (database versions not stated): TOPMed 0.00006; ExAC 0.00008; 1000 Genomes Project 30x 0.00016; 1000 Genomes Project 0.00020; gnomAD exomes 0.00001; gnomAD 0.00006.
gnomAD v4.1: 25 of 1,559,902 alleles (0.0016%); highest among the groups gnomAD compares: African/African-American, 0.0081%; no homozygotes.

Submissions (2):

Labcorp Genetics (formerly Invitae), Labcorp
Classification: Uncertain significance for Fanconi anemia. Last evaluated: 2024-12-26. Review status: criteria provided, single submitter. Criteria: Invitae Variant Classification Sherloc (09022015). Collection method: clinical testing. Allele origin: germline.
Comment: This sequence change replaces arginine, which is basic and polar, with histidine, which is basic and polar, at codon 119 of the FANCD2 protein (p.Arg119His). The frequency data for this variant in the population databases is considered unreliable, as metrics indicate poor data quality at this position in the gnomAD database. This variant has not been reported in the literature in individuals affected with FANCD2-related conditions. ClinVar contains an entry for this variant (Variation ID: 439692). Invitae Evidence Modeling of protein sequence and biophysical properties (such as structural, functional, and spatial information, amino acid conservation, physicochemical variation, residue mobility, and thermodynamic stability) indicates that this missense variant is not expected to disrupt FANCD2 protein function with a negative predictive value of 80%. In summary, the available evidence is currently insufficient to determine the role of this variant in disease. Therefore, it has been classified as a Variant of Uncertain Significance.

ARUP Laboratories, Molecular Genetics and Genomics, ARUP Laboratories
Classification: Uncertain significance. Last evaluated: 2017-04-11. Review status: criteria provided, single submitter. Criteria: ARUP Molecular Germline Variant Investigation Process. Collection method: clinical testing. Allele origin: germline.